The following is an entry in ClinVar:

NM_006031.6(PCNT):c.353G>A (p.Gly118Glu)

Gene: PCNT (pericentrin; plus strand). Cytogenetic location: 21q22.3.
Variant type: single nucleotide variant.
Coding change: c.353G>A on transcript NM_006031.6 (MANE Select); coding-DNA position 353, G replaced by A.
Protein change: p.Gly118Glu; replaces glycine 118 with glutamic acid.
Molecular consequence: missense variant. On other transcripts: 5 prime UTR variant (1).
Genome position (GRCh38, 1-based): chr21:46,334,482, G>A. VCF-style: chr21-46334482-G-A. GRCh37 (hg19) VCF-style: chr21-47754396-G-A.
Other names: c.-2G>A (NM_001315529.2); c.353G>A (NM_006031.5); short protein forms G118E.
Identifiers: ClinVar variation 2633581 (VCV002633581.2), dbSNP rs770906992, ClinGen allele CA10078228.

ClinVar aggregate classification (germline): Uncertain significance. Review status: criteria provided, multiple submitters, no conflicts (2 of 4 stars). 2 submissions from 2 submitters: Uncertain significance (2). Last evaluated 2025-03-27.

Conditions:
Inborn genetic diseases. Identifiers: MedGen C0950123, MeSH D030342.
PCNT-related disorder. Also called: PCNT-related condition.

Allele frequency attached by ClinVar (database versions not stated): TOPMed 0.00001; gnomAD 0.00002; ExAC 0.00003.

Submissions (2):

Ambry Genetics
Classification: Uncertain significance for Inborn genetic diseases. Last evaluated: 2025-03-27. Review status: criteria provided, single submitter. Criteria: Ambry Variant Classification Scheme 2023. Collection method: clinical testing. Allele origin: germline.

PreventionGenetics, part of Exact Sciences
Classification: Uncertain significance for PCNT-related condition. Last evaluated: 2023-03-10. Review status: criteria provided, single submitter. Criteria: ACMG Guidelines, 2015. Collection method: clinical testing. Allele origin: germline.
Comment: The PCNT c.-2G>A variant is located in the 5' untranslated region. To our knowledge, this variant has not been reported in the literature. This variant is reported in 0.0035% of alleles in individuals of European (Non-Finnish) descent in gnomAD. At this time, the clinical significance of this variant is uncertain due to the absence of conclusive functional and genetic evidence.